The following is an entry in ClinVar:

ClinVar aggregate classification (germline): Uncertain significance (1 of 4 stars; one submission).

gnomAD v4.1: 1 of 1,613,566 alleles (0.000062%); highest among the groups gnomAD compares: South Asian, 0.0011%; no homozygotes.

Submission:

Ambry Genetics
Classification: Uncertain significance. Last evaluated: 2022-04-19. Review status: criteria provided, single submitter. Criteria: Ambry Variant Classification Scheme 2023. Collection method: clinical testing. Allele origin: germline.
Comment: The p.T72I variant (also known as c.215C>T), located in coding exon 1 of the EGLN2 gene, results from a C to T substitution at nucleotide position 215. The threonine at codon 72 is replaced by isoleucine, an amino acid with similar properties. This amino acid position is conserved. In addition, this alteration is predicted to be tolerated by in silico analysis. Since supporting evidence is limited at this time, the clinical significance of this alteration remains unclear.

NM_080732.4(EGLN2):c.215C>T (p.Thr72Ile)

Genes: EGLN2 (egl-9 family hypoxia inducible factor 2; plus strand), RAB4B-EGLN2 (RAB4B-EGLN2 readthrough (NMD candidate); plus strand). Cytogenetic location: 19q13.2.
Variant type: single nucleotide variant.
Coding change: c.215C>T on transcript NM_080732.4 (MANE Select); coding-DNA position 215, C replaced by T.
Protein change: p.Thr72Ile; replaces threonine 72 with isoleucine.
Molecular consequence: missense variant. On other transcripts: non-coding transcript variant (1).
Genome position (GRCh38, 1-based): chr19:40,800,787, C>T. VCF-style: chr19-40800787-C-T. GRCh37 (hg19) VCF-style: chr19-41306692-C-T.
Other names: c.215C>T, p.Thr72Ile (NM_053046.4); short protein forms T72I.
Identifiers: ClinVar variation 1786867 (VCV001786867.2), dbSNP rs2515993179, ClinGen allele CA405954791.